The following is an entry in ClinVar:

ClinVar aggregate classification (germline): Likely benign (1 of 4 stars; one submission).

Conditions:
beta Thalassemia (BTHAL). Also called: Cooley's anemia; Erythroblastic anemia; Mediterranean anemia. Identifiers: Orphanet 848, MedGen C0005283, MONDO:0019402. Disease mechanism: loss of function.

Submission:

Genetics Laboratory, Al-Manara University for Medical Sciences
Classification: Likely benign for beta Thalassemia. Last evaluated: 2024-05-24. Review status: criteria provided, single submitter. Criteria: ACMG Guidelines, 2015. Collection method: research. Allele origin: germline.
Comment: The HBB:c.315+108A>G variant in the HBB gene (NM_000518.5), located in intron 2, is a splice distance of about 108 bases to the nearest splice site. This variant meets criteria to be classified as likely benign for beta thalassemia according to ACMG/AMP criteria applied: BP4_strong, PM2_supporting.

NM_000518.5(HBB):c.315+108A>G

Genes: HBB (hemoglobin subunit beta; minus strand), LOC107133510 (origin of replication at HBB; plus strand), LOC110006319 (beta-globin gene 3' regulatory region; plus strand). Cytogenetic location: 11p15.4.
Variant type: single nucleotide variant.
Coding change: c.315+108A>G on transcript NM_000518.5 (MANE Select); 108 bases into the intron after coding-DNA position 315, A replaced by G.
Molecular consequence: intron variant.
Genome position (GRCh38, 1-based): chr11:5,226,469, T>C on the plus strand (A>G on the coding strand, the complement: HBB is on the minus strand). VCF-style: chr11-5226469-T-C. GRCh37 (hg19) VCF-style: chr11-5247699-T-C.
Identifiers: ClinVar variation 3910008 (VCV003910008.1).